The following is an entry in ClinVar:

NM_003579.4(RAD54L):c.678G>T (p.Trp226Cys)

Gene: RAD54L (RAD54 like; plus strand). Cytogenetic location: 1p34.1.
Variant type: single nucleotide variant.
Coding change: c.678G>T on transcript NM_003579.4 (MANE Select); coding-DNA position 678, G replaced by T.
Protein change: p.Trp226Cys; replaces tryptophan 226 with cysteine.
Molecular consequence: missense variant.
Genome position (GRCh38, 1-based): chr1:46,260,927, G>T. VCF-style: chr1-46260927-G-T. GRCh37 (hg19) VCF-style: chr1-46726599-G-T.
Other names: c.678G>T, p.Trp226Cys (NM_001142548.2); c.138G>T, p.Trp46Cys (NM_001370766.1); short protein forms W226C, W46C.
Identifiers: ClinVar variation 3312444 (VCV003312444.1).

ClinVar aggregate classification (germline): Uncertain significance (1 of 4 stars; one submission).

gnomAD v4.1: 5 of 1,614,232 alleles (0.00031%); highest among the groups gnomAD compares: Non-Finnish European, 0.00042%; no homozygotes.

Submission:

Ambry Genetics
Classification: Uncertain significance. Last evaluated: 2024-03-16. Review status: criteria provided, single submitter. Criteria: Ambry Variant Classification Scheme 2023. Collection method: clinical testing. Allele origin: germline.
Comment: The p.W226C variant (also known as c.678G>T), located in coding exon 7 of the RAD54L gene, results from a G to T substitution at nucleotide position 678. The tryptophan at codon 226 is replaced by cysteine, an amino acid with highly dissimilar properties. This amino acid position is conserved. In addition, this alteration is predicted to be deleterious by in silico analysis. Based on the available evidence, the clinical significance of this alteration remains unclear.